The following is an entry in ClinVar:

NM_004237.4(TRIP13):c.1294A>G (p.Ile432Val)

Gene: TRIP13 (thyroid hormone receptor interactor 13; plus strand). Cytogenetic location: 5p15.33.
Variant type: single nucleotide variant.
Coding change: c.1294A>G on transcript NM_004237.4 (MANE Select); coding-DNA position 1294, A replaced by G.
Protein change: p.Ile432Val; replaces isoleucine 432 with valine.
Molecular consequence: missense variant.
Genome position (GRCh38, 1-based): chr5:917,098, A>G. VCF-style: chr5-917098-A-G. GRCh37 (hg19) VCF-style: chr5-917213-A-G.
Other names: short protein forms I432V.
Identifiers: ClinVar variation 735470 (VCV000735470.8), dbSNP rs200263887, ClinGen allele CA3180147.

ClinVar aggregate classification (germline): Likely benign. Review status: criteria provided, single submitter (1 of 4 stars). 2 submissions from 2 submitters: Likely benign (1). 1 of the submissions does not count toward it. Last evaluated 2025-12-17.

Conditions:
TRIP13-related disorder. Also called: TRIP13-related condition.

Allele frequency attached by ClinVar (database versions not stated): 1000 Genomes Project 30x 0.00203; 1000 Genomes Project 0.00220; gnomAD 0.00005 and 0.00013; gnomAD exomes 0.00007 and 0.00022; TOPMed 0.00019; ExAC 0.00026.
gnomAD v4.1: 140 of 1,614,050 alleles (0.0087%); highest among the groups gnomAD compares: East Asian, 0.17%; 1 homozygote.

Submissions (2):

Labcorp Genetics (formerly Invitae), Labcorp
Classification: Likely benign. Last evaluated: 2025-12-17. Review status: criteria provided, single submitter. Criteria: Invitae Variant Classification Sherloc (09022015). Collection method: clinical testing. Allele origin: germline.

PreventionGenetics, part of Exact Sciences
Classification: Likely benign for TRIP13-related condition. Last evaluated: 2021-01-22. Review status: no assertion criteria provided. Collection method: clinical testing. Allele origin: germline. Not counted in ClinVar's aggregate classification.
Comment: This variant is classified as likely benign based on ACMG/AMP sequence variant interpretation guidelines (Richards et al. 2015 PMID: 25741868, with internal and published modifications).